The following is an entry in ClinVar:

ClinVar aggregate classification (germline): Uncertain significance (1 of 4 stars; one submission).

Conditions:
Deficiency of butyryl-CoA dehydrogenase (ACADSD). Also called: SCAD DEFICIENCY, MILD; ACYL-CoA DEHYDROGENASE, SHORT-CHAIN, DEFICIENCY OF; ACADS DEFICIENCY; Short-Chain Acyl-CoA Dehydrogenase Deficiency; SCAD Deficiency; SCADH DEFICIENCY. Identifiers: Orphanet 26792, MedGen C0342783, MONDO:0008722, OMIM 201470. Disease mechanism: May be benign.

Submission:

Labcorp Genetics (formerly Invitae), Labcorp
Classification: Uncertain significance for Deficiency of butyryl-CoA dehydrogenase. Last evaluated: 2025-05-19. Review status: criteria provided, single submitter. Criteria: Invitae Variant Classification Sherloc (09022015). Collection method: clinical testing. Allele origin: germline.
Comment: This sequence change replaces alanine, which is neutral and non-polar, with glutamic acid, which is acidic and polar, at codon 302 of the ACADS protein (p.Ala302Glu). This variant is present in population databases (rs770009021, gnomAD 0.005%). This variant has not been reported in the literature in individuals affected with ACADS-related conditions. Invitae Evidence Modeling of protein sequence and biophysical properties (such as structural, functional, and spatial information, amino acid conservation, physicochemical variation, residue mobility, and thermodynamic stability) has been performed for this missense variant. However, the output from this modeling did not meet the statistical confidence thresholds required to predict the impact of this variant on ACADS protein function. In summary, the available evidence is currently insufficient to determine the role of this variant in disease. Therefore, it has been classified as a Variant of Uncertain Significance.

NM_000017.4(ACADS):c.905C>A (p.Ala302Glu)

Gene: ACADS (acyl-CoA dehydrogenase short chain; plus strand). Cytogenetic location: 12q24.31.
Variant type: single nucleotide variant.
Coding change: c.905C>A on transcript NM_000017.4 (MANE Select); coding-DNA position 905, C replaced by A.
Protein change: p.Ala302Glu; replaces alanine 302 with glutamic acid.
Molecular consequence: missense variant.
Genome position (GRCh38, 1-based): chr12:120,738,642, C>A. VCF-style: chr12-120738642-C-A. GRCh37 (hg19) VCF-style: chr12-121176445-C-A.
Other names: c.893C>A, p.Ala298Glu (NM_001302554.2); short protein forms A298E, A302E.
Identifiers: ClinVar variation 4739994 (VCV004739994.1).